The following is an entry in ClinVar:

NM_000158.4(GBE1):c.2052+1G>A

Gene: GBE1 (1,4-alpha-glucan branching enzyme 1; minus strand). Cytogenetic location: 3p12.2.
Variant type: single nucleotide variant.
Coding change: c.2052+1G>A on transcript NM_000158.4 (MANE Select); the canonical splice donor site of the intron after coding-DNA position 2052, G replaced by A.
Molecular consequence: splice donor variant.
Genome position (GRCh38, 1-based): chr3:81,499,109, C>T on the plus strand (G>A on the coding strand, the complement: GBE1 is on the minus strand). VCF-style: chr3-81499109-C-T. GRCh37 (hg19) VCF-style: chr3-81548260-C-T.
Other names: c.2052+1G>A (NM_000158.3).
Identifiers: ClinVar variation 1490966 (VCV001490966.10), dbSNP rs2106809795, ClinGen allele CA353684281.

ClinVar aggregate classification (germline): Pathogenic/Likely pathogenic. Review status: criteria provided, multiple submitters, no conflicts (2 of 4 stars). 3 submissions from 3 submitters: Pathogenic (2); Likely pathogenic (1). Last evaluated 2024-08-19.

Conditions:
Glycogen storage disease, type IV (GSD4). Also called: BRANCHER DEFICIENCY; AMYLOPECTINOSIS; ANDERSEN DISEASE; CIRRHOSIS, FAMILIAL, WITH DEPOSITION OF ABNORMAL GLYCOGEN; GBE1 DEFICIENCY; GLYCOGEN BRANCHING ENZYME DEFICIENCY. Identifiers: Orphanet 367, MedGen C0017923, MONDO:0009292, OMIM 232500.
Glycogen storage disease IV, classic hepatic. Also called: GSD IV, CLASSIC HEPATIC. Identifiers: MedGen C1856301.

Submissions (3):

Natera, Inc.
Classification: Pathogenic for Glycogen storage disease type IV. Last evaluated: 2024-08-19. Review status: criteria provided, single submitter. Criteria: Natera Variant Classification Schema (03/2026). Collection method: clinical testing. Allele origin: germline.
Comment: The c.2052+1G>A variant in GBE1 is a canonical splice donor site variant predicted to affect pre-mRNA splicing, which may result in an abnormal transcript and altered protein product. This variant may result in a truncated or dysfunctional protein product. This variant is rare in the general population with a frequency below the threshold expected for the associated phenotype(s). This variant has been observed in one or more individuals affected with the associated recessive disease, as either homozygous or compound heterozygous with a second variant (PMID: 27546458). Another variant at this same site results in an alteration predicted to cause a similar molecular effect has been observed in individual(s) with the associated phenotype. Given the available evidence, this variant is classified as Pathogenic.

Baylor Genetics
Classification: Pathogenic for Glycogen storage disease, type IV. Last evaluated: 2022-11-16. Review status: criteria provided, single submitter. Criteria: ACMG Guidelines, 2015. Collection method: clinical testing. Allele origin: unknown.

Labcorp Genetics (formerly Invitae), Labcorp
Classification: Likely pathogenic for Glycogen storage disease, type IV; Glycogen storage disease IV, classic hepatic. Last evaluated: 2020-12-31. Review status: criteria provided, single submitter. Criteria: Invitae Variant Classification Sherloc (09022015). Collection method: clinical testing. Allele origin: germline.
Comment: Disruption of this splice site has been observed in individual(s) with glycogen storage disease or polyglucosan body disease (PMID: 27546458, 26789422). Nucleotide substitutions within the consensus splice site are a relatively common cause of aberrant splicing (PMID: 17576681, 9536098). Algorithms developed to predict the effect of sequence changes on RNA splicing suggest that this variant may disrupt the consensus splice site, but this prediction has not been confirmed by published transcriptional studies. This variant disrupts a region of the protein in which other variant(s) (p.Tyr686His, p.Ile694Asn) have been observed in individuals with GBE1-related conditions (Invitae). This suggests that this may be a clinically significant region of the GBE1 protein. In summary, the currently available evidence indicates that the variant is pathogenic, but additional data are needed to prove that conclusively. Therefore, this variant has been classified as Likely Pathogenic. This sequence change affects a donor splice site in intron 15 of the GBE1 gene. While this variant is not anticipated to result in nonsense mediated decay, it likely alters RNA splicing and results in a disrupted protein product. This variant is not present in population databases (ExAC no frequency).

Literature cited by the submitters: PubMed 27546458 (cited by Natera, Inc. and Labcorp Genetics (formerly Invitae), Labcorp); PubMed 26789422 (cited by Labcorp Genetics (formerly Invitae), Labcorp); PubMed 17576681 (cited by Labcorp Genetics (formerly Invitae), Labcorp); PubMed 9536098 (cited by Labcorp Genetics (formerly Invitae), Labcorp).